The following is an entry in ClinVar:

ClinVar aggregate classification (germline): Uncertain significance (1 of 4 stars; one submission).

Conditions:
Developmental and epileptic encephalopathy, 34 (DEE34). Also called: SLC12A5-Related Epilepsy of Infancy with Migrating Focal Seizures; Early infantile epileptic encephalopathy 34. Identifiers: Orphanet 293181, MedGen C4225257, MONDO:0014718, OMIM 616645.

Allele frequency attached by ClinVar (database versions not stated): gnomAD exomes 0.00002 and 0.00004; ExAC 0.00005.
gnomAD v4.1: 34 of 1,614,154 alleles (0.0021%); highest among the groups gnomAD compares: South Asian, 0.02%; no homozygotes.

Submission:

Labcorp Genetics (formerly Invitae), Labcorp
Classification: Uncertain significance for Developmental and epileptic encephalopathy, 34. Last evaluated: 2025-01-13. Review status: criteria provided, single submitter. Criteria: Invitae Variant Classification Sherloc (09022015). Collection method: clinical testing. Allele origin: germline.
Comment: This sequence change falls in intron 22 of the SLC12A5 gene. It does not directly change the encoded amino acid sequence of the SLC12A5 protein. It affects a nucleotide within the consensus splice site. This variant is present in population databases (rs758619527, gnomAD 0.03%). This variant has not been reported in the literature in individuals affected with SLC12A5-related conditions. ClinVar contains an entry for this variant (Variation ID: 1001553). Variants that disrupt the consensus splice site are a relatively common cause of aberrant splicing (PMID: 17576681, 9536098). Algorithms developed to predict the effect of sequence changes on RNA splicing suggest that this variant is not likely to affect RNA splicing. In summary, the available evidence is currently insufficient to determine the role of this variant in disease. Therefore, it has been classified as a Variant of Uncertain Significance.

Literature cited by the submitters: PubMed 17576681; PubMed 9536098.

NM_020708.5(SLC12A5):c.2910+3G>A

Gene: SLC12A5 (solute carrier family 12 member 5; plus strand). Cytogenetic location: 20q13.12.
Variant type: single nucleotide variant.
Coding change: c.2910+3G>A on transcript NM_020708.5 (MANE Select); 3 bases into the intron after coding-DNA position 2910, G replaced by A.
Molecular consequence: intron variant.
Genome position (GRCh38, 1-based): chr20:46,056,275, G>A. VCF-style: chr20-46056275-G-A. GRCh37 (hg19) VCF-style: chr20-44684914-G-A.
Other names: c.2979+3G>A (NM_001134771.2).
Identifiers: ClinVar variation 1001553 (VCV001001553.8), dbSNP rs758619527, ClinGen allele CA9887736.